The following is an entry in ClinVar:

ClinVar aggregate classification (germline): Uncertain significance (1 of 4 stars; one submission).

Submission:

GeneDx
Classification: Uncertain significance. Last evaluated: 2023-05-28. Review status: criteria provided, single submitter. Criteria: GeneDx Variant Classification Process June 2021. Collection method: clinical testing. Allele origin: germline. Affected: yes.
Comment: Not observed at significant frequency in large population cohorts (gnomAD); In silico analysis supports that this missense variant has a deleterious effect on protein structure/function; Has not been previously published as pathogenic or benign to our knowledge

NM_014233.4(UBTF):c.292A>G (p.Asn98Asp)

Genes: ATXN7L3-AS1 (ATXN7L3 antisense RNA 1; plus strand), UBTF (upstream binding transcription factor; minus strand). Cytogenetic location: 17q21.31.
Variant type: single nucleotide variant.
Coding change: c.292A>G on transcript NM_014233.4 (MANE Select); coding-DNA position 292, A replaced by G.
Protein change: p.Asn98Asp; replaces asparagine 98 with aspartic acid.
Molecular consequence: missense variant. On other transcripts: non-coding transcript variant (1).
Genome position (GRCh38, 1-based): chr17:44,215,932, T>C on the plus strand (A>G on the coding strand, the complement: UBTF is on the minus strand). VCF-style: chr17-44215932-T-C. GRCh37 (hg19) VCF-style: chr17-42293300-T-C.
Other names: c.292A>G, p.Asn98Asp (NM_001076683.2, NM_001076684.3); short protein forms N98D.
Identifiers: ClinVar variation 3343758 (VCV003343758.1).